The following is an entry in ClinVar:

ClinVar aggregate classification (germline): Uncertain significance (1 of 4 stars; one submission).

Conditions:
Werner syndrome (WRN). Identifiers: Orphanet 902, MedGen C0043119, MONDO:0010196, OMIM 277700.

Allele frequency attached by ClinVar (database versions not stated): gnomAD exomes below 0.00001.

Submission:

Labcorp Genetics (formerly Invitae), Labcorp
Classification: Uncertain significance for Werner syndrome. Last evaluated: 2024-06-15. Review status: criteria provided, single submitter. Criteria: Invitae Variant Classification Sherloc (09022015). Collection method: clinical testing. Allele origin: germline.
Comment: This sequence change replaces methionine, which is neutral and non-polar, with leucine, which is neutral and non-polar, at codon 1289 of the WRN protein (p.Met1289Leu). This variant is not present in population databases (gnomAD no frequency). This variant has not been reported in the literature in individuals affected with WRN-related conditions. ClinVar contains an entry for this variant (Variation ID: 1508948). Algorithms developed to predict the effect of missense changes on protein structure and function output the following: SIFT: "Not Available"; PolyPhen-2: "Benign"; Align-GVGD: "Not Available". The leucine amino acid residue is found in multiple mammalian species, which suggests that this missense change does not adversely affect protein function. In summary, the available evidence is currently insufficient to determine the role of this variant in disease. Therefore, it has been classified as a Variant of Uncertain Significance.

NM_000553.6(WRN):c.3865A>T (p.Met1289Leu)

Gene: WRN (WRN RecQ like helicase; plus strand). Cytogenetic location: 8p12.
Variant type: single nucleotide variant.
Coding change: c.3865A>T on transcript NM_000553.6 (MANE Select); coding-DNA position 3865, A replaced by T.
Protein change: p.Met1289Leu; replaces methionine 1289 with leucine.
Molecular consequence: missense variant.
Genome position (GRCh38, 1-based): chr8:31,157,413, A>T. VCF-style: chr8-31157413-A-T. GRCh37 (hg19) VCF-style: chr8-31014929-A-T.
Other names: short protein forms M1289L.
Identifiers: ClinVar variation 1508948 (VCV001508948.6), dbSNP rs1803428016, ClinGen allele CA370929367.